The following is an entry in ClinVar:

ClinVar aggregate classification (germline): Uncertain significance. Review status: criteria provided, multiple submitters, no conflicts (2 of 4 stars). 2 submissions from 2 submitters: Uncertain significance (2). Last evaluated 2022-02-08.

Conditions:
Autosomal recessive hypophosphatemic bone disease (HHRH). Also called: HYPERCALCIURIC RICKETS; Hypophosphatemic rickets with hypercalciuria. Identifiers: Orphanet 157215, MedGen C1853271, MONDO:0009431, OMIM 241530.

Allele frequency attached by ClinVar (database versions not stated): gnomAD 0.00001; gnomAD exomes 0.00002 and 0.00004; TOPMed 0.00002; ExAC 0.00005.
gnomAD v4.1: 52 of 1,537,318 alleles (0.0034%); highest among the groups gnomAD compares: Non-Finnish European, 0.0042%; no homozygotes.

Submissions (2):

Fulgent Genetics
Classification: Uncertain significance for Autosomal recessive hypophosphatemic bone disease. Last evaluated: 2022-02-08. Review status: criteria provided, single submitter. Criteria: ACMG Guidelines, 2015. Collection method: clinical testing. Allele origin: unknown.

Labcorp Genetics (formerly Invitae), Labcorp
Classification: Uncertain significance. Last evaluated: 2021-08-30. Review status: criteria provided, single submitter. Criteria: Invitae Variant Classification Sherloc (09022015). Collection method: clinical testing. Allele origin: germline.
Comment: This sequence change replaces alanine with threonine at codon 595 of the SLC34A3 protein (p.Ala595Thr). The alanine residue is moderately conserved and there is a small physicochemical difference between alanine and threonine. This variant is present in population databases (rs748004842, ExAC 0.01%). This variant has not been reported in the literature in individuals affected with SLC34A3-related conditions. Algorithms developed to predict the effect of missense changes on protein structure and function are either unavailable or do not agree on the potential impact of this missense change (SIFT: "Deleterious"; PolyPhen-2: "Probably Damaging"; Align-GVGD: "Class C0"). In summary, the available evidence is currently insufficient to determine the role of this variant in disease. Therefore, it has been classified as a Variant of Uncertain Significance.

NM_001177316.2(SLC34A3):c.1783G>A (p.Ala595Thr)

Genes: SLC34A3 (solute carrier family 34 member 3; plus strand), LOC130003098 (ATAC-STARR-seq lymphoblastoid silent region 20596; plus strand). Cytogenetic location: 9q34.3.
Variant type: single nucleotide variant.
Coding change: c.1783G>A on transcript NM_001177316.2 (MANE Select); coding-DNA position 1783, G replaced by A.
Protein change: p.Ala595Thr; replaces alanine 595 with threonine.
Molecular consequence: missense variant.
Genome position (GRCh38, 1-based): chr9:137,236,399, G>A. VCF-style: chr9-137236399-G-A. GRCh37 (hg19) VCF-style: chr9-140130851-G-A.
Other names: c.1783G>A, p.Ala595Thr (NM_001177317.2, NM_080877.3); short protein forms A595T.
Identifiers: ClinVar variation 1036876 (VCV001036876.7), dbSNP rs748004842, ClinGen allele CA5365041.